The following is an entry in ClinVar:

ClinVar aggregate classification (germline): Likely benign. Review status: criteria provided, multiple submitters, no conflicts (2 of 4 stars). 4 submissions from 4 submitters: Likely benign (3). 1 of the submissions does not count toward it. Last evaluated 2025-03-03.

Conditions:
FAM20A-related disorder. Also called: FAM20A-related condition.
Amelogenesis imperfecta type 1G (AI1G). Also called: AMELOGENESIS IMPERFECTA, TYPE IG; AMELOGENESIS IMPERFECTA, HYPOPLASTIC, AND NEPHROCALCINOSIS; Amelogenesis imperfecta hypoplastic type, IG; Amelogenesis imperfecta and nephrocalcinosis; Amelogenesis imperfecta nephrocalcinosis; Enamel renal syndrome. Identifiers: Orphanet 1031, Orphanet 171836, MedGen C2931783, MONDO:0008771, OMIM 204690. Disease mechanism: loss of function.

Allele frequency attached by ClinVar (database versions not stated): ExAC 0.00009; TOPMed 0.00011; ESP Exome Variant Server 0.00015; gnomAD exomes 0.00020 and 0.00008; gnomAD 0.00011 and 0.00009.
gnomAD v4.1: 303 of 1,614,024 alleles (0.019%); highest among the groups gnomAD compares: Non-Finnish European, 0.024%; no homozygotes.

Submissions (4):

Labcorp Genetics (formerly Invitae), Labcorp
Classification: Likely benign. Last evaluated: 2025-03-03. Review status: criteria provided, single submitter. Criteria: Invitae Variant Classification Sherloc (09022015). Collection method: clinical testing. Allele origin: germline.

Blueprint Genetics
Classification: Likely benign. Last evaluated: 2023-08-01. Review status: criteria provided, single submitter. Criteria: ACMG Guidelines, 2015. Collection method: clinical testing. Allele origin: germline.

Fulgent Genetics
Classification: Likely benign for Amelogenesis imperfecta type 1G. Last evaluated: 2022-01-10. Review status: criteria provided, single submitter. Criteria: ACMG Guidelines, 2015. Collection method: clinical testing. Allele origin: unknown.

PreventionGenetics, part of Exact Sciences
Classification: Likely benign for FAM20A-related condition. Last evaluated: 2019-02-21. Review status: no assertion criteria provided. Collection method: clinical testing. Allele origin: germline. Not counted in ClinVar's aggregate classification.
Comment: This variant is classified as likely benign based on ACMG/AMP sequence variant interpretation guidelines (Richards et al. 2015 PMID: 25741868, with internal and published modifications).

NM_017565.4(FAM20A):c.984T>C (p.Ala328=)

Genes: FAM20A (FAM20A golgi associated secretory pathway pseudokinase; minus strand), PRKAR1A (protein kinase cAMP-dependent type I regulatory subunit alpha; plus strand). Cytogenetic location: 17q24.2.
Variant type: single nucleotide variant.
Coding change: c.984T>C on transcript NM_017565.4 (MANE Select); coding-DNA position 984, T replaced by C.
Protein change: p.Ala328=; no amino-acid change (alanine 328 retained).
Molecular consequence: synonymous variant. On other transcripts: non-coding transcript variant (1), intron variant (1).
Genome position (GRCh38, 1-based): chr17:68,542,110, A>G on the plus strand (T>C on the coding strand, the complement: FAM20A is on the minus strand). VCF-style: chr17-68542110-A-G. GRCh37 (hg19) VCF-style: chr17-66538251-A-G.
Other names: c.984T>C (NM_017565.3); c.570T>C, p.Ala190= (NM_001243746.2); c.974-8974A>G (NM_001276290.1).
Identifiers: ClinVar variation 1549902 (VCV001549902.12), dbSNP rs374633547, ClinGen allele CA8729845.